The following is an entry in ClinVar:

NM_004304.5(ALK):c.3608A>G (p.Asp1203Gly)

Gene: ALK (ALK receptor tyrosine kinase; minus strand). Cytogenetic location: 2p23.2.
Variant type: single nucleotide variant.
Coding change: c.3608A>G on transcript NM_004304.5 (MANE Select); coding-DNA position 3608, A replaced by G.
Protein change: p.Asp1203Gly; replaces aspartic acid 1203 with glycine.
Molecular consequence: missense variant.
Genome position (GRCh38, 1-based): chr2:29,220,743, T>C on the plus strand (A>G on the coding strand, the complement: ALK is on the minus strand). VCF-style: chr2-29220743-T-C. GRCh37 (hg19) VCF-style: chr2-29443609-T-C.
Other names: c.404A>G, p.Asp135Gly (NM_001353765.2); short protein forms D135G, D1203G.
Identifiers: ClinVar variation 2065391 (VCV002065391.4), dbSNP rs2148166413, ClinGen allele CA346473018.

ClinVar aggregate classification (germline): Uncertain significance (1 of 4 stars; one submission).

Conditions:
Neuroblastoma, susceptibility to, 3. Also called: ALK-Related Neuroblastic Tumor Susceptibility. Identifiers: Orphanet 635, MedGen C2751681, MONDO:0013083, OMIM 613014.

Submission:

Labcorp Genetics (formerly Invitae), Labcorp
Classification: Uncertain significance for Neuroblastoma, susceptibility to, 3. Last evaluated: 2021-12-29. Review status: criteria provided, single submitter. Criteria: Invitae Variant Classification Sherloc (09022015). Collection method: clinical testing. Allele origin: germline.
Comment: In summary, the available evidence is currently insufficient to determine the role of this variant in disease. Therefore, it has been classified as a Variant of Uncertain Significance. Algorithms developed to predict the effect of missense changes on protein structure and function are either unavailable or do not agree on the potential impact of this missense change (SIFT: "Deleterious"; PolyPhen-2: "Possibly Damaging"; Align-GVGD: "Class C0"). This variant has not been reported in the literature in individuals affected with ALK-related conditions. This variant is not present in population databases (gnomAD no frequency). This sequence change replaces aspartic acid, which is acidic and polar, with glycine, which is neutral and non-polar, at codon 1203 of the ALK protein (p.Asp1203Gly).